The following is an entry in ClinVar:

NM_001165963.4(SCN1A):c.4002+2182A>G

Genes: SCN1A (sodium voltage-gated channel alpha subunit 1; minus strand), LOC102724058 (uncharacterized LOC102724058; plus strand). Cytogenetic location: 2q24.3.
Variant type: single nucleotide variant.
Coding change: c.4002+2182A>G on transcript NM_001165963.4 (MANE Select); 2182 bases into the intron after coding-DNA position 4002, A replaced by G.
Molecular consequence: intron variant.
Genome position (GRCh38, 1-based): chr2:166,007,537, T>C on the plus strand (A>G on the coding strand, the complement: SCN1A is on the minus strand). VCF-style: chr2-166007537-T-C. GRCh37 (hg19) VCF-style: chr2-166864047-T-C.
Other names: c.3969+2182A>G (NM_001353949.2, NM_001353950.2, NM_001353951.2 and 2 more transcripts); c.3918+2182A>G (NM_001353958.2, NM_001353957.2, NM_001165964.3); c.4002+2182A>G (NM_001202435.3, NM_001353948.2); c.3966+2182A>G (NM_001353955.2, NM_001353954.2); c.3915+2182A>G (NM_001353960.2); c.1560+2182A>G (NM_001353961.2).
Identifiers: ClinVar variation 2995799 (VCV002995799.3), dbSNP rs2468473677, ClinGen allele CA2740095833.

ClinVar aggregate classification (germline): Uncertain significance (1 of 4 stars; one submission).

Conditions:
Early-infantile DEE. Also called: Early infantile epileptic encephalopathy with suppression bursts; Ohtahara syndrome; Early infantile epileptic encephalopathy. Identifiers: Orphanet 1934, MedGen C0393706, MONDO:0800491.

Submission:

Labcorp Genetics (formerly Invitae), Labcorp
Classification: Uncertain significance for Early-infantile DEE. Last evaluated: 2024-10-04. Review status: criteria provided, single submitter. Criteria: Invitae Variant Classification Sherloc (09022015). Collection method: clinical testing. Allele origin: germline.
Comment: This sequence change falls in intron 20 of the SCN1A gene. It does not directly change the encoded amino acid sequence of the SCN1A protein. However, this sequence change falls within a region encompassing a cryptic exon in the SCN1A gene, in which variants have been shown to alter splicing (PMID: 30526861, 34107977). This variant is not present in population databases (gnomAD no frequency). This variant has not been reported in the literature in individuals affected with SCN1A-related conditions. Algorithms developed to predict the effect of sequence changes on RNA splicing suggest that this variant is not likely to affect RNA splicing. In summary, the available evidence is currently insufficient to determine the role of this variant in disease. Therefore, it has been classified as a Variant of Uncertain Significance.

Literature cited by the submitters: PubMed 30526861; PubMed 34107977.